The following is an entry in ClinVar:

ClinVar aggregate classification (germline): Uncertain significance. Review status: criteria provided, multiple submitters, no conflicts (2 of 4 stars). 2 submissions from 2 submitters: Uncertain significance (2). Last evaluated 2025-07-18.

Conditions:
BAP1-related tumor predisposition syndrome (TPDS1). Also called: COMMON Syndrome; Tumor susceptibility linked to germline BAP1 mutations; TUMOR PREDISPOSITION SYNDROME 1; BAP1 tumor predisposition syndrome. Identifiers: Orphanet 289539, MedGen C3280492, MONDO:0013692, OMIM 614327.
Hereditary cancer-predisposing syndrome. Also called: Hereditary Cancer Syndrome; Hereditary neoplastic syndrome; Neoplastic Syndromes, Hereditary; Tumor predisposition. Identifiers: Orphanet 140162, MedGen C0027672, MeSH D009386, MONDO:0015356.

Submissions (2):

Ambry Genetics
Classification: Uncertain significance for Hereditary cancer-predisposing syndrome. Last evaluated: 2025-07-18. Review status: criteria provided, single submitter. Criteria: Ambry Variant Classification Scheme 2023. Collection method: clinical testing. Allele origin: germline.
Comment: The p.F81L variant (also known as c.243C>A), located in coding exon 4 of the BAP1 gene, results from a C to A substitution at nucleotide position 243. The phenylalanine at codon 81 is replaced by leucine, an amino acid with highly similar properties. This amino acid position is highly conserved in available vertebrate species. In addition, this alteration is predicted to be deleterious by in silico analysis. Based on the available evidence, the clinical significance of this variant remains unclear.

Labcorp Genetics (formerly Invitae), Labcorp
Classification: Uncertain significance for BAP1-related tumor predisposition syndrome. Last evaluated: 2022-07-14. Review status: criteria provided, single submitter. Criteria: Invitae Variant Classification Sherloc (09022015). Collection method: clinical testing. Allele origin: germline.
Comment: This variant has not been reported in the literature in individuals affected with BAP1-related conditions. This variant is not present in population databases (gnomAD no frequency). This sequence change replaces phenylalanine, which is neutral and non-polar, with leucine, which is neutral and non-polar, at codon 81 of the BAP1 protein (p.Phe81Leu). ClinVar contains an entry for this variant (Variation ID: 1448007). In summary, the available evidence is currently insufficient to determine the role of this variant in disease. Therefore, it has been classified as a Variant of Uncertain Significance. Algorithms developed to predict the effect of missense changes on protein structure and function are either unavailable or do not agree on the potential impact of this missense change (SIFT: "Deleterious"; PolyPhen-2: "Possibly Damaging"; Align-GVGD: "Class C15").

NM_004656.4(BAP1):c.243C>A (p.Phe81Leu)

Gene: BAP1 (BRCA1 associated deubiquitinase 1; minus strand). Cytogenetic location: 3p21.1.
Variant type: single nucleotide variant.
Coding change: c.243C>A on transcript NM_004656.4 (MANE Select); coding-DNA position 243, C replaced by A.
Protein change: p.Phe81Leu; replaces phenylalanine 81 with leucine.
Molecular consequence: missense variant.
Genome position (GRCh38, 1-based): chr3:52,408,486, G>T on the plus strand (C>A on the coding strand, the complement: BAP1 is on the minus strand). VCF-style: chr3-52408486-G-T. GRCh37 (hg19) VCF-style: chr3-52442502-G-T.
Other names: c.243C>A (NM_004656.2); short protein forms F81L.
Identifiers: ClinVar variation 1448007 (VCV001448007.9), dbSNP rs2153228285, ClinGen allele CA353112910.